The following is an entry in ClinVar:

ClinVar aggregate classification (germline): other (0 of 4 stars; one submission).

Conditions:
Familial colorectal cancer. Identifiers: MedGen CN280943, MONDO:0023113. Disease mechanism: loss of function.

Allele frequency attached by ClinVar (database versions not stated): TOPMed 0.00001.

Submission:

Systems Biology Platform Zhejiang California International NanoSystems Institute
Classification: other for Familial colorectal cancer. Review status: no assertion criteria provided. Collection method: not provided. Allele origin: unknown.
ClinVar note: Converted during submission from cancer to other.

NM_000038.6(APC):c.645+3446T>G

Gene: APC (APC regulator of WNT signaling pathway; plus strand). Cytogenetic location: 5q22.2.
Variant type: single nucleotide variant.
Coding change: c.645+3446T>G on transcript NM_000038.6 (MANE Select); 3446 bases into the intron after coding-DNA position 645, T replaced by G.
Molecular consequence: intron variant.
Genome position (GRCh38, 1-based): chr5:112,784,349, T>G. VCF-style: chr5-112784349-T-G. GRCh37 (hg19) VCF-style: chr5-112120046-T-G.
Other names: c.645+3446T>G (NM_001354895.2, NM_001127510.3, NM_001354896.2 and 2 more transcripts); c.675+3446T>G (NM_001354897.2, NM_001354902.2, NM_001127511.3); c.570+3446T>G (NM_001354898.2, NM_001354904.2); c.-391+3446T>G (NM_001354906.2); c.468+3446T>G (NM_001354900.2, NM_001354901.2, NM_001354905.2).
Identifiers: ClinVar variation 82444 (VCV000082444.2), dbSNP rs80103183, ClinGen allele CA011422.